The following is an entry in ClinVar:

ClinVar aggregate classification (germline): Uncertain significance (1 of 4 stars; one submission).

Submission:

Labcorp Genetics (formerly Invitae), Labcorp
Classification: Uncertain significance. Last evaluated: 2024-07-31. Review status: criteria provided, single submitter. Criteria: Invitae Variant Classification Sherloc (09022015). Collection method: clinical testing. Allele origin: germline.
Comment: This sequence change replaces proline, which is neutral and non-polar, with arginine, which is basic and polar, at codon 184 of the DENND5A protein (p.Pro184Arg). This variant is not present in population databases (gnomAD no frequency). This variant has not been reported in the literature in individuals affected with DENND5A-related conditions. Advanced modeling of protein sequence and biophysical properties (such as structural, functional, and spatial information, amino acid conservation, physicochemical variation, residue mobility, and thermodynamic stability) performed at Invitae indicates that this missense variant is not expected to disrupt DENND5A protein function with a negative predictive value of 80%. In summary, the available evidence is currently insufficient to determine the role of this variant in disease. Therefore, it has been classified as a Variant of Uncertain Significance.

NM_015213.4(DENND5A):c.551C>G (p.Pro184Arg)

Gene: DENND5A (DENN domain containing 5A; minus strand). Cytogenetic location: 11p15.4.
Variant type: single nucleotide variant.
Coding change: c.551C>G on transcript NM_015213.4 (MANE Select); coding-DNA position 551, C replaced by G.
Protein change: p.Pro184Arg; replaces proline 184 with arginine.
Molecular consequence: missense variant. On other transcripts: non-coding transcript variant (1).
Genome position (GRCh38, 1-based): chr11:9,204,058, G>C on the plus strand (C>G on the coding strand, the complement: DENND5A is on the minus strand). VCF-style: chr11-9204058-G-C. GRCh37 (hg19) VCF-style: chr11-9225605-G-C.
Other names: c.551C>G, p.Pro184Arg (NM_001243254.2); c.479C>G, p.Pro160Arg (NM_001348749.2); c.263C>G, p.Pro88Arg (NM_001348750.2); short protein forms P160R, P184R, P88R.
Identifiers: ClinVar variation 3685119 (VCV003685119.2).